The following is an entry in ClinVar:

ClinVar aggregate classification (germline): Likely pathogenic (1 of 4 stars; one submission).

Conditions:
Medium-chain acyl-coenzyme A dehydrogenase deficiency (ACADMD). Also called: MCADH DEFICIENCY; MCADD; MCAD Deficiency; ACADM DEFICIENCY; CARNITINE DEFICIENCY SECONDARY TO MEDIUM-CHAIN ACYL-CoA DEHYDROGENASE DEFICIENCY; Medium chain acyl-CoA dehydrogenase deficiency. Identifiers: Orphanet 42, MedGen C0220710, MONDO:0008721, OMIM 201450.

Submission:

Labcorp Genetics (formerly Invitae), Labcorp
Classification: Likely pathogenic for Medium-chain acyl-coenzyme A dehydrogenase deficiency. Last evaluated: 2022-03-03. Review status: criteria provided, single submitter. Criteria: Invitae Variant Classification Sherloc (09022015). Collection method: clinical testing. Allele origin: germline.
Comment: In summary, the currently available evidence indicates that the variant is pathogenic, but additional data are needed to prove that conclusively. Therefore, this variant has been classified as Likely Pathogenic. This variant disrupts the p.Ala113 amino acid residue in ACADM. Other variant(s) that disrupt this residue have been determined to be pathogenic (PMID: 30626930). This suggests that this residue is clinically significant, and that variants that disrupt this residue are likely to be disease-causing. Advanced modeling of protein sequence and biophysical properties (such as structural, functional, and spatial information, amino acid conservation, physicochemical variation, residue mobility, and thermodynamic stability) performed at Invitae indicates that this missense variant is expected to disrupt ACADM protein function. This missense change has been observed in individual(s) with a positive newborn screening result for ACADM-related disease (PMID: 32778825). This variant is not present in population databases (gnomAD no frequency). This sequence change replaces alanine, which is neutral and non-polar, with threonine, which is neutral and polar, at codon 113 of the ACADM protein (p.Ala113Thr).

Literature cited by the submitters: PubMed 30626930; PubMed 32778825.

NM_000016.6(ACADM):c.337G>A (p.Ala113Thr)

Gene: ACADM (acyl-CoA dehydrogenase medium chain; plus strand). Cytogenetic location: 1p31.1.
Variant type: single nucleotide variant.
Coding change: c.337G>A on transcript NM_000016.6 (MANE Select); coding-DNA position 337, G replaced by A.
Protein change: p.Ala113Thr; replaces alanine 113 with threonine.
Molecular consequence: missense variant. On other transcripts: intron variant (1).
Genome position (GRCh38, 1-based): chr1:75,733,578, G>A. VCF-style: chr1-75733578-G-A. GRCh37 (hg19) VCF-style: chr1-76199263-G-A.
Other names: c.349G>A, p.Ala117Thr (NM_001127328.3); c.229G>A, p.Ala77Thr (NM_001286042.2); c.436G>A, p.Ala146Thr (NM_001286043.2); c.-100+656G>A (NM_001286044.2); short protein forms A113T, A117T, A77T, A146T.
Identifiers: ClinVar variation 1476742 (VCV001476742.8), dbSNP rs1570863351, ClinGen allele CA340812216.